The following is an entry in ClinVar:

NM_001378328.1(CELSR1):c.8126G>A (p.Arg2709Gln)

Gene: CELSR1 (cadherin EGF LAG seven-pass G-type receptor 1; minus strand). Cytogenetic location: 22q13.31.
Variant type: single nucleotide variant.
Coding change: c.8126G>A on transcript NM_001378328.1 (MANE Select); coding-DNA position 8126, G replaced by A.
Protein change: p.Arg2709Gln; replaces arginine 2709 with glutamine.
Molecular consequence: missense variant.
Genome position (GRCh38, 1-based): chr22:46,367,072, C>T on the plus strand (G>A on the coding strand, the complement: CELSR1 is on the minus strand). VCF-style: chr22-46367072-C-T. GRCh37 (hg19) VCF-style: chr22-46762969-C-T.
Other names: c.8126G>A, p.Arg2709Gln (NM_014246.4); short protein forms R2709Q.
Identifiers: ClinVar variation 2653310 (VCV002653310.24), dbSNP rs150881558, ClinGen allele CA10292967.
Genomic context (GRCh38, chr22:46,367,072, plus strand): 5'-GTGGTGGCGGAGTCCTCCAGGTGCAGCTTCCTCCCGCCGAGCACGCCCTTCAGGTGCTTC[C>T]GGACCTCCTGGTTGAGCACGCAGTGGAAAAGGAGGACGAAGGGGCCCTGGAGGGAGGAAG-3'
Protein context (NP_001365257.1, residues 2699-2719): LFHCVLNQEV[Arg2709Gln]KHLKGVLGGR

ClinVar aggregate classification (germline): Benign (1 of 4 stars; one submission).

Allele frequency attached by ClinVar (database versions not stated): 1000 Genomes Project 0.00060; 1000 Genomes Project 30x 0.00078; TOPMed 0.00156; ExAC 0.00160; gnomAD 0.00168; ESP Exome Variant Server 0.00192; gnomAD exomes 0.00274.
gnomAD v4.1: 4,190 of 1,611,554 alleles (0.26%); highest among the groups gnomAD compares: Non-Finnish European, 0.32%; 11 homozygotes.

Submission:

CeGaT Center for Human Genetics Tuebingen
Classification: Benign. Last evaluated: 2026-02-01. Review status: criteria provided, single submitter. Criteria: CeGaT Center For Human Genetics Tuebingen Variant Classification Criteria Version 2. Collection method: clinical testing. Allele origin: germline. Affected: yes. Observed: 3 variant alleles.
Comment: CELSR1: BS1, BS2